The following is an entry in ClinVar:

NM_004990.4(MARS1):c.1097C>G (p.Thr366Ser)

Gene: MARS1 (methionyl-tRNA synthetase 1; plus strand). Cytogenetic location: 12q13.3.
Variant type: single nucleotide variant.
Coding change: c.1097C>G on transcript NM_004990.4 (MANE Select); coding-DNA position 1097, C replaced by G.
Protein change: p.Thr366Ser; replaces threonine 366 with serine.
Molecular consequence: missense variant.
Genome position (GRCh38, 1-based): chr12:57,500,326, C>G. VCF-style: chr12-57500326-C-G. GRCh37 (hg19) VCF-style: chr12-57894109-C-G.
Other names: c.1097C>G (NM_004990.3); short protein forms T366S.
Identifiers: ClinVar variation 2136590 (VCV002136590.5), dbSNP rs142248205, ClinGen allele CA6650424.

ClinVar aggregate classification (germline): Uncertain significance. Review status: criteria provided, multiple submitters, no conflicts (2 of 4 stars). 2 submissions from 2 submitters: Uncertain significance (2). Last evaluated 2025-06-19.

Conditions:
Severe early-onset pulmonary alveolar proteinosis due to MARS deficiency. Also called: PULMONARY ALVEOLAR PROTEINOSIS, REUNION ISLAND; Interstitial lung and liver disease. Identifiers: Orphanet 440427, MedGen C4225400, MONDO:0014206, OMIM 615486.
Charcot-Marie-Tooth disease axonal type 2U. Also called: CHARCOT-MARIE-TOOTH NEUROPATHY, TYPE 2U; CHARCOT-MARIE-TOOTH DISEASE, AXONAL, AUTOSOMAL DOMINANT, TYPE 2U. Identifiers: Orphanet 397735, MedGen C4084821, MONDO:0014566, OMIM 616280.

Allele frequency attached by ClinVar (database versions not stated): gnomAD exomes 0.00001; ExAC 0.00002; gnomAD 0.00005; TOPMed 0.00007; ESP Exome Variant Server 0.00008; 1000 Genomes Project 30x 0.00016; 1000 Genomes Project 0.00020.
gnomAD v4.1: 14 of 1,614,084 alleles (0.00087%); highest among the groups gnomAD compares: African/African-American, 0.012%; no homozygotes.

Submissions (2):

Ambry Genetics
Classification: Uncertain significance. Last evaluated: 2025-06-19. Review status: criteria provided, single submitter. Criteria: Ambry Variant Classification Scheme 2023. Collection method: clinical testing. Allele origin: germline.

Labcorp Genetics (formerly Invitae), Labcorp
Classification: Uncertain significance for Charcot-Marie-Tooth disease axonal type 2U; Severe early-onset pulmonary alveolar proteinosis due to MARS deficiency. Last evaluated: 2024-10-24. Review status: criteria provided, single submitter. Criteria: Invitae Variant Classification Sherloc (09022015). Collection method: clinical testing. Allele origin: germline.
Comment: This sequence change replaces threonine, which is neutral and polar, with serine, which is neutral and polar, at codon 366 of the MARS protein (p.Thr366Ser). This variant is present in population databases (rs142248205, gnomAD 0.02%). This variant has not been reported in the literature in individuals affected with MARS-related conditions. ClinVar contains an entry for this variant (Variation ID: 2136590). An algorithm developed to predict the effect of missense changes on protein structure and function (PolyPhen-2) suggests that this variant is likely to be tolerated. In summary, the available evidence is currently insufficient to determine the role of this variant in disease. Therefore, it has been classified as a Variant of Uncertain Significance.